The following is an entry in ClinVar:

NM_000088.4(COL1A1):c.1897G>A (p.Glu633Lys)

Gene: COL1A1 (collagen type I alpha 1 chain; minus strand). Cytogenetic location: 17q21.33.
Variant type: single nucleotide variant.
Coding change: c.1897G>A on transcript NM_000088.4 (MANE Select); coding-DNA position 1897, G replaced by A.
Protein change: p.Glu633Lys; replaces glutamic acid 633 with lysine.
Molecular consequence: missense variant.
Genome position (GRCh38, 1-based): chr17:50,192,672, C>T on the plus strand (G>A on the coding strand, the complement: COL1A1 is on the minus strand). VCF-style: chr17-50192672-C-T. GRCh37 (hg19) VCF-style: chr17-48270033-C-T.
Other names: short protein forms E633K.
Identifiers: ClinVar variation 1444331 (VCV001444331.8), dbSNP rs2144563826, ClinGen allele CA400213852.

ClinVar aggregate classification (germline): Uncertain significance (1 of 4 stars; one submission).

Conditions:
Osteogenesis imperfecta type I (OI1). Also called: Lobstein disease; OI, TYPE I; OSTEOGENESIS IMPERFECTA TARDA; OSTEOGENESIS IMPERFECTA WITH BLUE SCLERAE; Lobstein's Disease; Classic Non-deforming Osteogenesis Imperfecta with Blue Sclerae. Identifiers: Orphanet 216796, Orphanet 666, MedGen C0023931, MONDO:0008146, OMIM 166200. Disease mechanism: loss of function.

Submission:

Labcorp Genetics (formerly Invitae), Labcorp
Classification: Uncertain significance for Osteogenesis imperfecta type I. Last evaluated: 2021-05-19. Review status: criteria provided, single submitter. Criteria: Invitae Variant Classification Sherloc (09022015). Collection method: clinical testing. Allele origin: germline.
Comment: This variant has not been reported in the literature in individuals with COL1A1-related conditions. In summary, the available evidence is currently insufficient to determine the role of this variant in disease. Therefore, it has been classified as a Variant of Uncertain Significance. Algorithms developed to predict the effect of missense changes on protein structure and function are either unavailable or do not agree on the potential impact of this missense change (SIFT: "Deleterious"; PolyPhen-2: "Not Available"; Align-GVGD: "Class C55"). This variant is not present in population databases (ExAC no frequency). This sequence change replaces glutamic acid with lysine at codon 633 of the COL1A1 protein (p.Glu633Lys). The glutamic acid residue is highly conserved and there is a small physicochemical difference between glutamic acid and lysine.